The following is an entry in ClinVar:

ClinVar aggregate classification (germline): Likely benign. Review status: criteria provided, multiple submitters, no conflicts (2 of 4 stars). 2 submissions from 2 submitters: Likely benign (2). Last evaluated 2025-04-24.

Conditions:
TTC21B-related disorder. Also called: TTC21B-related condition; TTC21B-related disorders.
Nephronophthisis. Also called: Juvenile Nephronophthisis. Identifiers: Orphanet 655, MedGen C0687120, MONDO:0019005, HP:0000090.
Jeune thoracic dystrophy. Also called: Jeune syndrome; Infantile thoracic dystrophy; Thoracic pelvic phalangeal dystrophy; Jeune's syndrome; Chondroectodermal dysplasia-like syndrome; Short-rib thoracic dysplasia. Identifiers: Orphanet 474, MedGen C0265275, MONDO:0018770.

Allele frequency attached by ClinVar (database versions not stated): ExAC 0.00001; gnomAD exomes 0.00001.
gnomAD v4.1: 7 of 1,613,912 alleles (0.00043%); highest among the groups gnomAD compares: South Asian, 0.0077%; no homozygotes.

Submissions (2):

PreventionGenetics, part of Exact Sciences
Classification: Likely benign for TTC21B-related condition. Last evaluated: 2025-04-24. Review status: criteria provided, single submitter. Criteria: ACMG Guidelines, 2015. Collection method: clinical testing. Allele origin: germline.
Comment: This variant is classified as likely benign based on ACMG/AMP sequence variant interpretation guidelines (Richards et al. 2015 PMID: 25741868, with internal and published modifications).

Labcorp Genetics (formerly Invitae), Labcorp
Classification: Likely benign for Jeune thoracic dystrophy; Nephronophthisis. Last evaluated: 2024-05-09. Review status: criteria provided, single submitter. Criteria: Invitae Variant Classification Sherloc (09022015). Collection method: clinical testing. Allele origin: germline.

NM_024753.5(TTC21B):c.2445T>C (p.Ala815=)

Gene: TTC21B (tetratricopeptide repeat domain 21B; minus strand). Cytogenetic location: 2q24.3.
Variant type: single nucleotide variant.
Coding change: c.2445T>C on transcript NM_024753.5 (MANE Select); coding-DNA position 2445, T replaced by C.
Protein change: p.Ala815=; no amino-acid change (alanine 815 retained).
Molecular consequence: synonymous variant.
Genome position (GRCh38, 1-based): chr2:165,911,343, A>G on the plus strand (T>C on the coding strand, the complement: TTC21B is on the minus strand). VCF-style: chr2-165911343-A-G. GRCh37 (hg19) VCF-style: chr2-166767853-A-G.
Other names: c.2445T>C (NM_024753.4).
Identifiers: ClinVar variation 2043060 (VCV002043060.5), dbSNP rs777221975, ClinGen allele CA1941836.